The following is an entry in ClinVar:

NM_001370658.1(BTD):c.38_44del (p.Cys13fs)

Gene: BTD (biotinidase; plus strand). Cytogenetic location: 3p25.1.
Variant type: Deletion.
Coding change: c.38_44del on transcript NM_001370658.1 (MANE Select); coding-DNA positions 38 to 44, 7 bases deleted (GCGGCTG; older notation c.38_44delGCGGCTG).
Protein change: p.Cys13fs; shifts the reading frame from cysteine 13.
Molecular consequence: frameshift variant.
Genome position (GRCh38, 1-based): chr3:15,635,477-15,635,483, GCGGCTG deleted. VCF-style (leftmost placement, unchanged base first): chr3-15635476-TGCGGCTG-T. GRCh37 (hg19) VCF-style: chr3-15676983-TGCGGCTG-T.
Other names: c.38_44del, p.Cys13fs (NM_001407399.1, NM_001407400.1, NM_001407401.1 and 37 more transcripts); c.98_104del (NM_000060.2); short protein forms C13fs.
Identifiers: ClinVar variation 3065157 (VCV003065157.15), dbSNP rs2471439040, ClinGen allele CA2586965628.

ClinVar aggregate classification (germline): Conflicting classifications of pathogenicity. Review status: criteria provided, conflicting classifications (1 of 4 stars). 2 submissions from 2 submitters: Pathogenic (1); Uncertain significance (1). Last evaluated 2024-11-01.

Conditions:
Biotinidase deficiency. Also called: BTD deficiency; Late-onset biotin-responsive multiple carboxylase deficiency; Biotin deficiency. Identifiers: Orphanet 79241, MedGen C0220754, MONDO:0009665, OMIM 253260.

Submissions (2):

CeGaT Center for Human Genetics Tuebingen
Classification: Pathogenic. Last evaluated: 2024-11-01. Review status: criteria provided, single submitter. Criteria: CeGaT Center For Human Genetics Tuebingen Variant Classification Criteria Version 2. Collection method: clinical testing. Allele origin: germline. Affected: yes. Observed: 1 variant allele.
Comment: BTD: PVS1, PM2

Genomic Medicine Center of Excellence, King Faisal Specialist Hospital and Research Centre
Classification: Uncertain significance for Biotinidase deficiency. Last evaluated: 2024-03-26. Review status: criteria provided, single submitter. Criteria: ACMG Guidelines, 2015. Collection method: clinical testing. Allele origin: germline.